The following is an entry in ClinVar:

NM_020458.4(TTC7A):c.338G>A (p.Gly113Glu)

Gene: TTC7A (tetratricopeptide repeat domain 7A; plus strand). Cytogenetic location: 2p21.
Variant type: single nucleotide variant.
Coding change: c.338G>A on transcript NM_020458.4 (MANE Select); coding-DNA position 338, G replaced by A.
Protein change: p.Gly113Glu; replaces glycine 113 with glutamic acid.
Molecular consequence: missense variant. On other transcripts: 5 prime UTR variant (1).
Genome position (GRCh38, 1-based): chr2:46,950,516, G>A. VCF-style: chr2-46950516-G-A. GRCh37 (hg19) VCF-style: chr2-47177655-G-A.
Other names: c.338G>A, p.Gly113Glu (NM_001288951.2); c.236G>A, p.Gly79Glu (NM_001288953.2); c.-567G>A (NM_001288955.2); short protein forms G113E, G79E.
Identifiers: ClinVar variation 1043934 (VCV001043934.9), dbSNP rs1671313057, ClinGen allele CA346717903.

ClinVar aggregate classification (germline): Uncertain significance (1 of 4 stars; one submission).

Conditions:
Multiple gastrointestinal atresias. Also called: FAMILIAL INTESTINAL POLYATRESIA SYNDROME; Multiple intestinal atresia. Identifiers: Orphanet 2300, MedGen C0220744, MONDO:0009465.

Submission:

Labcorp Genetics (formerly Invitae), Labcorp
Classification: Uncertain significance for Multiple gastrointestinal atresias. Last evaluated: 2020-06-26. Review status: criteria provided, single submitter. Criteria: Invitae Variant Classification Sherloc (09022015). Collection method: clinical testing. Allele origin: germline.
Comment: In summary, the available evidence is currently insufficient to determine the role of this variant in disease. Therefore, it has been classified as a Variant of Uncertain Significance. Algorithms developed to predict the effect of missense changes on protein structure and function are either unavailable or do not agree on the potential impact of this missense change (SIFT: "Tolerated"; PolyPhen-2: "Probably Damaging"; Align-GVGD: "Class C0"). This variant has not been reported in the literature in individuals with TTC7A-related conditions. This variant is not present in population databases (ExAC no frequency). This sequence change replaces glycine with glutamic acid at codon 113 of the TTC7A protein (p.Gly113Glu). The glycine residue is moderately conserved and there is a moderate physicochemical difference between glycine and glutamic acid.